The following is an entry in ClinVar:

ClinVar aggregate classification (germline): Benign. Review status: criteria provided, multiple submitters, no conflicts (2 of 4 stars). 2 submissions from 2 submitters: Benign (2). Last evaluated 2026-07-01.

Allele frequency attached by ClinVar (database versions not stated): gnomAD 0.00006 and 0.00052; ESP Exome Variant Server 0.00008; TOPMed 0.00015; gnomAD exomes 0.00086 and 0.00179; ExAC 0.00188; 1000 Genomes Project 30x 0.00297; 1000 Genomes Project 0.00319.
gnomAD v4.1: 1,346 of 1,614,212 alleles (0.083%); highest among the groups gnomAD compares: South Asian, 1.4%; 20 homozygotes.

Submissions (2):

CeGaT Center for Human Genetics Tuebingen
Classification: Benign. Last evaluated: 2026-07-01. Review status: criteria provided, single submitter. Criteria: CeGaT Center For Human Genetics Tuebingen Variant Classification Criteria Version 2. Collection method: clinical testing. Allele origin: germline. Affected: yes. Observed: 2 variant alleles.
Comment: REST: BP4, BP7, BS1, BS2

Labcorp Genetics (formerly Invitae), Labcorp
Classification: Benign. Last evaluated: 2025-11-16. Review status: criteria provided, single submitter. Criteria: Invitae Variant Classification Sherloc (09022015). Collection method: clinical testing. Allele origin: germline.

NM_005612.5(REST):c.3036C>T (p.His1012=)

Gene: REST (RE1 silencing transcription factor; plus strand). Cytogenetic location: 4q12.
Variant type: single nucleotide variant.
Coding change: c.3036C>T on transcript NM_005612.5 (MANE Select); coding-DNA position 3036, C replaced by T.
Protein change: p.His1012=; no amino-acid change (histidine 1012 retained).
Molecular consequence: synonymous variant.
Genome position (GRCh38, 1-based): chr4:56,931,894, C>T. VCF-style: chr4-56931894-C-T. GRCh37 (hg19) VCF-style: chr4-57798060-C-T.
Other names: c.3036C>T, p.His1012= (NM_001193508.2, NM_001363453.3).
Identifiers: ClinVar variation 1583509 (VCV001583509.10), dbSNP rs199586155, ClinGen allele CA2932608.
Genomic context (GRCh38, chr4:56,931,894, plus strand): 5'-ACCTCCTGCTACAATGGCAGCAAATGAGTCTCAGGAAATTGATGAAGATGAAGGCATCCA[C>T]AGCCATGAAGGAAGTGACCTAAGTGACAACATGTCAGAGGGTAGTGATGATTCTGGATTG-3'
Protein context (NP_005603.3, residues 1002-1022): SQEIDEDEGI[His1012=]SHEGSDLSDN